The following is an entry in ClinVar:

NM_016929.5(CLIC5):c.614A>G (p.Tyr205Cys)

Gene: CLIC5 (chloride intracellular channel 5; minus strand). Cytogenetic location: 6p21.1.
Variant type: single nucleotide variant.
Coding change: c.614A>G on transcript NM_016929.5 (MANE Select); coding-DNA position 614, A replaced by G.
Protein change: p.Tyr205Cys; replaces tyrosine 205 with cysteine.
Molecular consequence: missense variant. On other transcripts: non-coding transcript variant (2).
Genome position (GRCh38, 1-based): chr6:45,903,230, T>C on the plus strand (A>G on the coding strand, the complement: CLIC5 is on the minus strand). VCF-style: chr6-45903230-T-C. GRCh37 (hg19) VCF-style: chr6-45870967-T-C.
Other names: c.1091A>G, p.Tyr364Cys (NM_001114086.2, NM_001370650.1); c.497A>G, p.Tyr166Cys (NM_001370649.1); short protein forms Y166C, Y205C, Y364C.
Identifiers: ClinVar variation 1065033 (VCV001065033.3), dbSNP rs2127294197, ClinGen allele CA363960891.
Genomic context (GRCh38, chr6:45,903,230, plus strand): 5'-TCACGGGCATAGGCGTTCTTGAGGTACCGCCACAGGCCTGTCATCTCAGCCGGGATATCA[T>C]AGTTGCGGTATTTCTTGGCCACAATCTAAAACAGAGATGGCAGGACAGAGGTGGTGTGAA-3'
Protein context (NP_058625.2, residues 195-215): VKIVAKKYRN[Tyr205Cys]DIPAEMTGLW

ClinVar aggregate classification (germline): Uncertain significance (1 of 4 stars; one submission).

Conditions:
Hearing impairment. Also called: Impaired Hearing. Identifiers: MedGen C1384666, MONDO:0005365, HP:0000365.

gnomAD v4.1: 1 of 1,603,142 alleles (0.000062%); no homozygotes.

Submission:

Department of Otolaryngology – Head & Neck Surgery, Cochlear Implant Center
Classification: Uncertain significance for Hearing impairment. Last evaluated: 2021-04-12. Review status: criteria provided, single submitter. Criteria: ClinGen HL ACMG Specifications v1. Collection method: clinical testing. Allele origin: germline. Affected: yes.
Comment: PM2_Moderate, PP3_Supporting